The following is an entry in ClinVar:

ClinVar aggregate classification (germline): Likely pathogenic. Review status: criteria provided, multiple submitters, no conflicts (2 of 4 stars). 2 submissions from 2 submitters: Likely pathogenic (2). Last evaluated 2024-09-13.

Submissions (2):

GeneDx
Classification: Likely pathogenic. Last evaluated: 2024-09-13. Review status: criteria provided, single submitter. Criteria: GeneDx Variant Classification Process June 2021. Collection method: clinical testing. Allele origin: germline. Affected: yes.
Comment: Frameshift variant predicted to result in protein truncation or nonsense mediated decay in a gene for which loss of function is a known mechanism of disease; Not observed at significant frequency in large population cohorts (gnomAD); Has not been previously published as pathogenic or benign to our knowledge

Athena Diagnostics
Classification: Likely pathogenic. Last evaluated: 2024-02-27. Review status: criteria provided, single submitter. Criteria: Athena Diagnostics Criteria. Collection method: clinical testing. Allele origin: unknown.
Comment: This variant is expected to result in the loss of a functional protein. This variant has not been reported in large, multi-ethnic general populations.

NM_182961.4(SYNE1):c.13476del (p.Val4493fs)

Gene: SYNE1 (spectrin repeat containing nuclear envelope protein 1; minus strand). Cytogenetic location: 6q25.2.
Variant type: Deletion.
Coding change: c.13476del on transcript NM_182961.4 (MANE Select); coding-DNA position 13476, one base deleted (A; older notation c.13476delA).
Protein change: p.Val4493fs; shifts the reading frame from valine 4493.
Molecular consequence: frameshift variant.
Genome position (GRCh38, 1-based): chr6:152,331,209, T deleted on the plus strand (A on the coding strand, the reverse complement: SYNE1 is on the minus strand); the first of 2 consecutive T bases (chr6:152,331,209-152,331,210); deleting either gives the same sequence. VCF-style (leftmost placement, unchanged base first): chr6-152331208-CT-C. GRCh37 (hg19) VCF-style: chr6-152652343-CT-C.
Other names: c.13263del, p.Val4422fs (NM_033071.5); c.13263delA (NM_033071.3); c.13263del (NM_033071.3); c.13476del (NM_182961.2); short protein forms V4422fs, V4493fs.
Identifiers: ClinVar variation 817693 (VCV000817693.6), dbSNP rs1590230520, ClinGen allele CA915944450.